The following is an entry in ClinVar:

ClinVar aggregate classification (germline): Uncertain significance (1 of 4 stars; one submission).

Conditions:
Autosomal dominant nonsyndromic hearing loss 65. Also called: Deafness, autosomal dominant 65; TBC1D24-Related Autosomal Dominant Nonsyndromic Hearing Loss (DFNA). Identifiers: Orphanet 90635, MedGen C3892048, MONDO:0014470, OMIM 616044.
Developmental and epileptic encephalopathy, 1 (DEE1). Also called: INFANTILE SPASM SYNDROME, X-LINKED 1; X-linked infantile spasms; West's syndrome; Tonic spasms with clustering, arrest of psychomotor development and hypsarrhythmia on EEG; X-Linked Infantile Spasm Syndrome; OHTAHARA SYNDROME, X-LINKED. Identifiers: MedGen C3463992, MONDO:0010632, OMIM 308350. Disease mechanism: loss of function.

Submission:

Labcorp Genetics (formerly Invitae), Labcorp
Classification: Uncertain significance for Developmental and epileptic encephalopathy, 1; Autosomal dominant nonsyndromic hearing loss 65. Last evaluated: 2025-03-31. Review status: criteria provided, single submitter. Criteria: Invitae Variant Classification Sherloc (09022015). Collection method: clinical testing. Allele origin: germline.
Comment: This sequence change replaces glycine, which is neutral and non-polar, with arginine, which is basic and polar, at codon 23 of the TBC1D24 protein (p.Gly23Arg). This variant is not present in population databases (gnomAD no frequency). This variant has not been reported in the literature in individuals affected with TBC1D24-related conditions. Invitae Evidence Modeling of protein sequence and biophysical properties (such as structural, functional, and spatial information, amino acid conservation, physicochemical variation, residue mobility, and thermodynamic stability) has been performed for this missense variant. However, the output from this modeling did not meet the statistical confidence thresholds required to predict the impact of this variant on TBC1D24 protein function. In summary, the available evidence is currently insufficient to determine the role of this variant in disease. Therefore, it has been classified as a Variant of Uncertain Significance.

NM_001199107.2(TBC1D24):c.67G>A (p.Gly23Arg)

Gene: TBC1D24 (TBC1 domain family member 24; plus strand). Cytogenetic location: 16p13.3.
Variant type: single nucleotide variant.
Coding change: c.67G>A on transcript NM_001199107.2 (MANE Select); coding-DNA position 67, G replaced by A.
Protein change: p.Gly23Arg; replaces glycine 23 with arginine.
Molecular consequence: missense variant.
Genome position (GRCh38, 1-based): chr16:2,496,215, G>A. VCF-style: chr16-2496215-G-A. GRCh37 (hg19) VCF-style: chr16-2546216-G-A.
Other names: c.67G>A, p.Gly23Arg (NM_020705.3); short protein forms G23R.
Identifiers: ClinVar variation 4812438 (VCV004812438.1).
Genomic context (GRCh38, chr16:2,496,215, plus strand): 5'-TCTCCAGGATACAACTGCTTCGTGGACAAAGACAAGATGGACGCTGCCATCCAGGACCTG[G>A]GGCCCAAGGAGCTGAGCTGCACTGAACTGCAGGAACTGAAGCAGCTGGCGCGCCAGGGCT-3'
Protein context (NP_001186036.1, residues 13-33): DKMDAAIQDL[Gly23Arg]PKELSCTELQ